The following is an entry in ClinVar:

ClinVar aggregate classification (germline): Conflicting classifications of pathogenicity. Review status: criteria provided, conflicting classifications (1 of 4 stars). 9 submissions from 9 submitters: Uncertain significance (8); Likely benign (1). Last evaluated 2026-01-05.

Conditions:
Hereditary spastic paraplegia 30. Identifiers: Orphanet 101010, MedGen C5235139, MONDO:0012476.
Neuropathy, hereditary sensory, type 2C. Also called: Hereditary sensory and autonomic neuropathy type IIC; KIF1A-Related HSAN2 (HSAN2C). Identifiers: Orphanet 970, MedGen C3280168, MONDO:0013634, OMIM 614213.
Intellectual disability, autosomal dominant 9 (NESCAVS). Also called: KIF1A-Related Neurodevelopmental Disorder; NESCAV SYNDROME. Identifiers: Orphanet 662367, MedGen C5393830, MONDO:0013656, OMIM 614255.
Neuropathy, hereditary sensory and autonomic, type 2A (HSAN2A). Also called: MORVAN DISEASE; NEUROPATHY, CONGENITAL SENSORY; NEUROPATHY, HEREDITARY SENSORY RADICULAR, AUTOSOMAL RECESSIVE; NEUROPATHY, HEREDITARY SENSORY, TYPE IIA; NEUROPATHY, PROGRESSIVE SENSORY, OF CHILDREN; WNK1-Related HSAN2 (HSAN2A). Identifiers: Orphanet 970, MedGen C2752089, MONDO:0024309, OMIM 201300.
Inborn genetic diseases. Identifiers: MedGen C0950123, MeSH D030342.
Hereditary spastic paraplegia. Also called: Familial spastic paraparesis. Identifiers: Orphanet 685, MedGen C0037773, MONDO:0019064. Disease mechanism: loss of function.

Allele frequency attached by ClinVar (database versions not stated): gnomAD exomes 0.00006 and 0.00009; TOPMed 0.00007; gnomAD 0.00009; ExAC 0.00010; ESP Exome Variant Server 0.00016.
gnomAD v4.1: 139 of 1,564,400 alleles (0.0089%); highest among the groups gnomAD compares: Middle Eastern, 0.11%; 1 homozygote.

Submissions (9):

Labcorp Genetics (formerly Invitae), Labcorp
Classification: Likely benign for Hereditary spastic paraplegia 30; Neuropathy, hereditary sensory, type 2C; Intellectual disability, autosomal dominant 9. Last evaluated: 2026-01-05. Review status: criteria provided, single submitter. Criteria: Invitae Variant Classification Sherloc (09022015). Collection method: clinical testing. Allele origin: germline.

Mayo Clinic Laboratories, Mayo Clinic
Classification: Uncertain significance. Last evaluated: 2025-08-11. Review status: criteria provided, single submitter. Criteria: ACMG Guidelines, 2015. Collection method: clinical testing. Allele origin: germline. Observed: 2 variant alleles.
Comment: BP4_moderate, PP2

Revvity Omics, Revvity
Classification: Uncertain significance. Last evaluated: 2024-10-15. Review status: criteria provided, single submitter. Criteria: ACMG Guidelines, 2015. Collection method: clinical testing. Allele origin: germline.

GeneDx
Classification: Uncertain significance. Last evaluated: 2023-03-07. Review status: criteria provided, single submitter. Criteria: GeneDx Variant Classification Process June 2021. Collection method: clinical testing. Allele origin: germline. Affected: yes.
Comment: Reported in control individuals in a study evaluating candidate genes for non-syndromic intellectual disability (Hamdan et al., 2011); In silico analysis supports that this missense variant does not alter protein structure/function; This variant is associated with the following publications: (PMID: 21376300)

Ambry Genetics
Classification: Uncertain significance for Inborn genetic diseases. Last evaluated: 2022-11-16. Review status: criteria provided, single submitter. Criteria: Ambry Variant Classification Scheme 2023. Collection method: clinical testing. Allele origin: germline.

Fulgent Genetics
Classification: Uncertain significance for Neuropathy, hereditary sensory and autonomic, type 2A; Spastic paraplegia 30A, autosomal dominant; Neuropathy, hereditary sensory, type 2C; Intellectual disability, autosomal dominant 9. Last evaluated: 2022-05-24. Review status: criteria provided, single submitter. Criteria: ACMG Guidelines, 2015. Collection method: clinical testing. Allele origin: unknown.

MVZ Martinsried, Medicover Genetics
Classification: Uncertain significance for Intellectual disability, autosomal dominant 9. Last evaluated: 2019-06-06. Review status: criteria provided, single submitter. Criteria: ACMG Guidelines, 2015. Collection method: clinical testing. Allele origin: maternal. Affected: yes.

Genetic Services Laboratory, University of Chicago
Classification: Uncertain significance. Last evaluated: 2018-06-19. Review status: criteria provided, single submitter. Criteria: ACMG Guidelines, 2015. Collection method: clinical testing. Allele origin: germline. Affected: no.

Genome Diagnostics Laboratory, The Hospital for Sick Children
Classification: Uncertain significance for Hereditary spastic paraplegia. Last evaluated: 2016-12-16. Review status: criteria provided, single submitter. Criteria: ACMG Guidelines, 2015. Collection method: clinical testing. Allele origin: germline. Affected: yes.

Literature cited by the submitters: PubMed 28106320 (cited by Ambry Genetics).

NM_001244008.2(KIF1A):c.4511C>T (p.Thr1504Ile)

Gene: KIF1A (kinesin family member 1A; minus strand). Cytogenetic location: 2q37.3.
Variant type: single nucleotide variant.
Coding change: c.4511C>T on transcript NM_001244008.2 (MANE Select); coding-DNA position 4511, C replaced by T.
Protein change: p.Thr1504Ile; replaces threonine 1504 with isoleucine.
Molecular consequence: missense variant.
Genome position (GRCh38, 1-based): chr2:240,722,610, G>A on the plus strand (C>T on the coding strand, the complement: KIF1A is on the minus strand). VCF-style: chr2-240722610-G-A. GRCh37 (hg19) VCF-style: chr2-241662027-G-A.
Other names: p.Thr1403Ile; c.4235C>T, p.Thr1412Ile (NM_001320705.2, NM_001379649.1); c.4262C>T, p.Thr1421Ile (NM_001330289.2); c.4310C>T, p.Thr1437Ile (NM_001330290.2, NM_001379648.1); c.4586C>T, p.Thr1529Ile (NM_001379631.1); c.4487C>T, p.Thr1496Ile (NM_001379632.1); c.4484C>T, p.Thr1495Ile (NM_001379633.1, NM_001379645.1); c.4337C>T, p.Thr1446Ile (NM_001379634.1); and 8 more; short protein forms T1403I, T1504I, T1412I, T1437I, T1421I, T1402I, T1411I, T1420I.
Identifiers: ClinVar variation 246243 (VCV000246243.31), dbSNP rs371831198, ClinGen allele CA2207398.